The following is an entry in ClinVar:

NM_001371727.1(GABRB2):c.1456G>A (p.Ala486Thr)

Gene: GABRB2 (gamma-aminobutyric acid type A receptor subunit beta2; minus strand). Cytogenetic location: 5q34.
Variant type: single nucleotide variant.
Coding change: c.1456G>A on transcript NM_001371727.1 (MANE Select); coding-DNA position 1456, G replaced by A.
Protein change: p.Ala486Thr; replaces alanine 486 with threonine.
Molecular consequence: missense variant.
Genome position (GRCh38, 1-based): chr5:161,294,164, C>T on the plus strand (G>A on the coding strand, the complement: GABRB2 is on the minus strand). VCF-style: chr5-161294164-C-T. GRCh37 (hg19) VCF-style: chr5-160721171-C-T.
Other names: c.1342G>A, p.Ala448Thr (NM_000813.3); c.1456G>A, p.Ala486Thr (NM_021911.3); short protein forms A448T, A486T.
Identifiers: ClinVar variation 4801564 (VCV004801564.1).

ClinVar aggregate classification (germline): Uncertain significance (1 of 4 stars; one submission).

Conditions:
Intellectual disability. Also called: Intellectual functioning disability; intellectual disabilities; Intellectual developmental disorder. Identifiers: MedGen C3714756, MeSH D008607, MONDO:0001071, HP:0001249.

Submission:

Labcorp Genetics (formerly Invitae), Labcorp
Classification: Uncertain significance for Intellectual disability. Last evaluated: 2025-05-11. Review status: criteria provided, single submitter. Criteria: Invitae Variant Classification Sherloc (09022015). Collection method: clinical testing. Allele origin: germline.
Comment: This sequence change replaces alanine, which is neutral and non-polar, with threonine, which is neutral and polar, at codon 486 of the GABRB2 protein (p.Ala486Thr). This variant is not present in population databases (gnomAD no frequency). This variant has not been reported in the literature in individuals affected with GABRB2-related conditions. Invitae Evidence Modeling of protein sequence and biophysical properties (such as structural, functional, and spatial information, amino acid conservation, physicochemical variation, residue mobility, and thermodynamic stability) indicates that this missense variant is not expected to disrupt GABRB2 protein function with a negative predictive value of 95%. In summary, the available evidence is currently insufficient to determine the role of this variant in disease. Therefore, it has been classified as a Variant of Uncertain Significance.